The following is an entry in ClinVar:

NM_001146079.2(CLDN14):c.343A>G (p.Thr115Ala)

Genes: CLDN14 (claudin 14; minus strand), CLDN14-AS1 (CLDN14 antisense RNA 1; plus strand). Cytogenetic location: 21q22.13.
Variant type: single nucleotide variant.
Coding change: c.343A>G on transcript NM_001146079.2 (MANE Select); coding-DNA position 343, A replaced by G.
Protein change: p.Thr115Ala; replaces threonine 115 with alanine.
Molecular consequence: missense variant.
Genome position (GRCh38, 1-based): chr21:36,461,353, T>C on the plus strand (A>G on the coding strand, the complement: CLDN14 is on the minus strand). VCF-style: chr21-36461353-T-C. GRCh37 (hg19) VCF-style: chr21-37833651-T-C.
Other names: c.343A>G, p.Thr115Ala (NM_001146077.2, NM_001146078.3, NM_012130.4 and 1 more transcripts); short protein forms T115A.
Identifiers: ClinVar variation 2007924 (VCV002007924.4), dbSNP rs2517046206, ClinGen allele CA409881751.

ClinVar aggregate classification (germline): Uncertain significance (1 of 4 stars; one submission).

Submission:

Labcorp Genetics (formerly Invitae), Labcorp
Classification: Uncertain significance. Last evaluated: 2022-08-31. Review status: criteria provided, single submitter. Criteria: Invitae Variant Classification Sherloc (09022015). Collection method: clinical testing. Allele origin: germline.
Comment: In summary, the available evidence is currently insufficient to determine the role of this variant in disease. Therefore, it has been classified as a Variant of Uncertain Significance. Algorithms developed to predict the effect of missense changes on protein structure and function output the following: SIFT: "Tolerated"; PolyPhen-2: "Benign"; Align-GVGD: "Class C0". The alanine amino acid residue is found in multiple mammalian species, which suggests that this missense change does not adversely affect protein function. This variant has not been reported in the literature in individuals affected with CLDN14-related conditions. This variant is not present in population databases (gnomAD no frequency). This sequence change replaces threonine, which is neutral and polar, with alanine, which is neutral and non-polar, at codon 115 of the CLDN14 protein (p.Thr115Ala).